The following is an entry in ClinVar:

ClinVar aggregate classification (germline): Uncertain significance (1 of 4 stars; one submission).

Allele frequency attached by ClinVar (database versions not stated): gnomAD exomes below 0.00001.
gnomAD v4.1: 1 of 1,190,169 alleles (0.000084%); highest among the groups gnomAD compares: Non-Finnish European, 0.00011%; no homozygotes.

Submission:

Labcorp Genetics (formerly Invitae), Labcorp
Classification: Uncertain significance. Last evaluated: 2025-02-17. Review status: criteria provided, single submitter. Criteria: Invitae Variant Classification Sherloc (09022015). Collection method: clinical testing. Allele origin: germline.
Comment: This sequence change replaces leucine, which is neutral and non-polar, with valine, which is neutral and non-polar, at codon 77 of the FGD1 protein (p.Leu77Val). This variant is not present in population databases (gnomAD no frequency). This variant has not been reported in the literature in individuals affected with FGD1-related conditions. ClinVar contains an entry for this variant (Variation ID: 2772536). Invitae Evidence Modeling of protein sequence and biophysical properties (such as structural, functional, and spatial information, amino acid conservation, physicochemical variation, residue mobility, and thermodynamic stability) indicates that this missense variant is not expected to disrupt FGD1 protein function with a negative predictive value of 95%. In summary, the available evidence is currently insufficient to determine the role of this variant in disease. Therefore, it has been classified as a Variant of Uncertain Significance.

NM_004463.3(FGD1):c.229T>G (p.Leu77Val)

Gene: FGD1 (FYVE, RhoGEF and PH domain containing 1; minus strand). Cytogenetic location: Xp11.22.
Variant type: single nucleotide variant.
Coding change: c.229T>G on transcript NM_004463.3 (MANE Select); coding-DNA position 229, T replaced by G.
Protein change: p.Leu77Val; replaces leucine 77 with valine.
Molecular consequence: missense variant.
Genome position (GRCh38, 1-based): chrX:54,495,204, A>C on the plus strand (T>G on the coding strand, the complement: FGD1 is on the minus strand). VCF-style: chrX-54495204-A-C. GRCh37 (hg19) VCF-style: chrX-54521637-A-C.
Other names: short protein forms L77V.
Identifiers: ClinVar variation 2772536 (VCV002772536.3), dbSNP rs754594139, ClinGen allele CA10425302.